The following is an entry in ClinVar:

ClinVar aggregate classification (germline): Pathogenic (1 of 4 stars; one submission).

Submission:

GeneDx
Classification: Pathogenic. Last evaluated: 2024-06-26. Review status: criteria provided, single submitter. Criteria: GeneDx Variant Classification Process June 2021. Collection method: clinical testing. Allele origin: germline. Affected: yes.
Comment: Not observed at significant frequency in large population cohorts (gnomAD); In silico analysis supports that this missense variant has a deleterious effect on protein structure/function; This variant is associated with the following publications: (PMID: 35982159, 33057194)

NM_024665.7(TBL1XR1):c.857T>G (p.Val286Gly)

Genes: TBL1XR1-AS1 (TBL1XR1 antisense RNA 1; plus strand), TBL1XR1 (TBL1X/Y related 1; minus strand). Cytogenetic location: 3q26.32.
Variant type: single nucleotide variant.
Coding change: c.857T>G on transcript NM_024665.7 (MANE Select); coding-DNA position 857, T replaced by G.
Protein change: p.Val286Gly; replaces valine 286 with glycine.
Molecular consequence: missense variant.
Genome position (GRCh38, 1-based): chr3:177,047,307, A>C on the plus strand (T>G on the coding strand, the complement: TBL1XR1 is on the minus strand). VCF-style: chr3-177047307-A-C. GRCh37 (hg19) VCF-style: chr3-176765095-A-C.
Other names: c.857T>G, p.Val286Gly (NM_001321193.3, NM_001321194.3, NM_001374327.1 and 2 more transcripts); c.596T>G, p.Val199Gly (NM_001321195.3, NM_001374330.1); short protein forms V286G, V199G.
Identifiers: ClinVar variation 421408 (VCV000421408.5), dbSNP rs1064795118, ClinGen allele CA16617844.